The following is an entry in ClinVar:

ClinVar aggregate classification (germline): Uncertain significance (1 of 4 stars; one submission).

Submission:

Labcorp Genetics (formerly Invitae), Labcorp
Classification: Uncertain significance. Last evaluated: 2025-11-18. Review status: criteria provided, single submitter. Criteria: Invitae Variant Classification Sherloc (09022015). Collection method: clinical testing. Allele origin: germline.
Comment: This sequence change replaces serine, which is neutral and polar, with glycine, which is neutral and non-polar, at codon 172 of the ATP6AP1 protein (p.Ser172Gly). This variant is not present in population databases (gnomAD no frequency). This variant has not been reported in the literature in individuals affected with ATP6AP1-related conditions. Invitae Evidence Modeling of protein sequence and biophysical properties (such as structural, functional, and spatial information, amino acid conservation, physicochemical variation, residue mobility, and thermodynamic stability) has been performed for this missense variant. However, the output from this modeling did not meet the statistical confidence thresholds required to predict the impact of this variant on ATP6AP1 protein function. In summary, the available evidence is currently insufficient to determine the role of this variant in disease. Therefore, it has been classified as a Variant of Uncertain Significance.

NM_001183.6(ATP6AP1):c.514A>G (p.Ser172Gly)

Gene: ATP6AP1 (ATPase H+ transporting accessory protein 1; plus strand). Cytogenetic location: Xq28.
Variant type: single nucleotide variant.
Coding change: c.514A>G on transcript NM_001183.6 (MANE Select); coding-DNA position 514, A replaced by G.
Protein change: p.Ser172Gly; replaces serine 172 with glycine.
Molecular consequence: missense variant.
Genome position (GRCh38, 1-based): chrX:154,432,416, A>G. VCF-style: chrX-154432416-A-G. GRCh37 (hg19) VCF-style: chrX-153660762-A-G.
Other names: short protein forms S172G.
Identifiers: ClinVar variation 4702170 (VCV004702170.1).